The following is an entry in ClinVar:

ClinVar aggregate classification (germline): Conflicting classifications of pathogenicity. Review status: criteria provided, conflicting classifications (1 of 4 stars). 4 submissions from 4 submitters: Uncertain significance (3); Likely benign (1). Last evaluated 2024-09-20.

Conditions:
Inborn genetic diseases. Identifiers: MedGen C0950123, MeSH D030342.
ALG1-congenital disorder of glycosylation. Also called: CONGENITAL DISORDER OF GLYCOSYLATION, TYPE Ik; CDG Ik; ALG1-CDG. Identifiers: Orphanet 79327, MedGen C2931005, MONDO:0012052, OMIM 608540.

Allele frequency attached by ClinVar (database versions not stated): gnomAD 0.00003 and 0.00004; TOPMed 0.00003; ExAC 0.00006; gnomAD exomes 0.00006.
gnomAD v4.1: 95 of 1,614,100 alleles (0.0059%); highest among the groups gnomAD compares: South Asian, 0.041%; no homozygotes.

Submissions (4):

3billion
Classification: Likely benign for ALG1-congenital disorder of glycosylation. Last evaluated: 2024-09-20. Review status: criteria provided, single submitter. Criteria: ACMG Guidelines, 2015. Collection method: clinical testing. Allele origin: germline. Affected: no.
Comment: The homozygous variant was found in patients diagnosed with another variant in a different gene, with no symptoms related to the gene containing the homozygous variant.

Fulgent Genetics
Classification: Uncertain significance for ALG1-congenital disorder of glycosylation. Last evaluated: 2024-03-21. Review status: criteria provided, single submitter. Criteria: ACMG Guidelines, 2015. Collection method: clinical testing. Allele origin: germline.

Ambry Genetics
Classification: Uncertain significance for Inborn genetic diseases. Last evaluated: 2023-10-14. Review status: criteria provided, single submitter. Criteria: Ambry Variant Classification Scheme 2023. Collection method: clinical testing. Allele origin: germline.

Labcorp Genetics (formerly Invitae), Labcorp
Classification: Uncertain significance for ALG1-congenital disorder of glycosylation. Last evaluated: 2022-09-13. Review status: criteria provided, single submitter. Criteria: Invitae Variant Classification Sherloc (09022015). Collection method: clinical testing. Allele origin: germline.
Comment: This sequence change replaces arginine, which is basic and polar, with histidine, which is basic and polar, at codon 187 of the ALG1 protein (p.Arg187His). This variant is present in population databases (rs377600706, gnomAD 0.03%). This variant has not been reported in the literature in individuals affected with ALG1-related conditions. ClinVar contains an entry for this variant (Variation ID: 1441027). Advanced modeling of protein sequence and biophysical properties (such as structural, functional, and spatial information, amino acid conservation, physicochemical variation, residue mobility, and thermodynamic stability) performed at Invitae indicates that this missense variant is not expected to disrupt ALG1 protein function. In summary, the available evidence is currently insufficient to determine the role of this variant in disease. Therefore, it has been classified as a Variant of Uncertain Significance.

NM_019109.5(ALG1):c.560G>A (p.Arg187His)

Gene: ALG1 (ALG1 chitobiosyldiphosphodolichol beta-mannosyltransferase; plus strand). Cytogenetic location: 16p13.3.
Variant type: single nucleotide variant.
Coding change: c.560G>A on transcript NM_019109.5 (MANE Select); coding-DNA position 560, G replaced by A.
Protein change: p.Arg187His; replaces arginine 187 with histidine.
Molecular consequence: missense variant.
Genome position (GRCh38, 1-based): chr16:5,077,465, G>A. VCF-style: chr16-5077465-G-A. GRCh37 (hg19) VCF-style: chr16-5127466-G-A.
Other names: c.560G>A (NM_019109.4); c.227G>A, p.Arg76His (NM_001330504.2); short protein forms R76H, R187H.
Identifiers: ClinVar variation 1441027 (VCV001441027.6), dbSNP rs377600706, ClinGen allele CA7889892.